The following is an entry in ClinVar:

NM_001166108.2(PALLD):c.2473-2_2473-1insTA

Genes: CBR4 (carbonyl reductase 4; minus strand), PALLD (palladin, cytoskeletal associated protein; plus strand). Cytogenetic location: 4q32.3.
Variant type: Insertion.
Coding change: c.2473-2_2473-1insTA on transcript NM_001166108.2 (MANE Select); the canonical splice acceptor site of the intron before coding-DNA position 2473, TA inserted.
Molecular consequence: splice acceptor variant.
Genome position: GRCh38 VCF-style: chr4-168903754-C-CAT. GRCh37 (hg19) VCF-style: chr4-169824905-C-CAT.
Other names: c.2422-2_2422-1insTA (NM_016081.4); c.1276-2_1276-1insTA (NM_001166109.2); c.961-2_961-1insTA (NM_001166110.2); c.352-2_352-1insTA (NM_001367570.1, NM_001367568.1); c.301-2_301-1insTA (NM_001367567.1, NM_001367569.1).
Identifiers: ClinVar variation 4130383 (VCV004130383.1).
Genomic context (GRCh38, chr4:168,903,754, plus strand): 5'-AGTTCTCCAAATAGAGTAGGAATACACAAACTCCTAATCTTTAATCTTTGTTTCTATTCA[C>CAT]AGATCTATTGGTTTAAAGATGGGAAGCAGATCTCTCCAAAGAGTGATCACTACACCATTC-3'

ClinVar aggregate classification (germline): Uncertain significance (1 of 4 stars; one submission).

Submission:

Ambry Genetics
Classification: Uncertain significance. Last evaluated: 2025-07-30. Review status: criteria provided, single submitter. Criteria: Ambry Variant Classification Scheme 2023. Collection method: clinical testing. Allele origin: germline.
Comment: The c.961-2_961-1insTA intronic variant begins 1 nucleotide before coding exon 5 in the PALLD gene. This variant results from an insertion of 2 nucleotides between positions c.961-1 to c.961-2. This nucleotide region is highly conserved in available vertebrate species. In silico splice site analysis predicts that this alteration will not have any significant effect on splicing. The evidence for this gene-disease relationship is limited; therefore, the clinical significance of this alteration is unclear.